The following is an entry in ClinVar:

ClinVar aggregate classification (germline): Conflicting classifications of pathogenicity. Review status: criteria provided, conflicting classifications (1 of 4 stars). 2 submissions from 2 submitters: Pathogenic (1); Uncertain significance (1). Last evaluated 2022-06-28.

Conditions:
Epidermolysis bullosa dystrophica. Also called: Dystrophic epidermolysis bullosa, Hallopeau-Siemens type (formerly); Dystrophic epidermolysis bullosa. Identifiers: Orphanet 303, MedGen C0079294, MONDO:0006543.

Submissions (2):

GeneDx
Classification: Uncertain significance. Last evaluated: 2022-06-28. Review status: criteria provided, single submitter. Criteria: GeneDx Variant Classification Process June 2021. Collection method: clinical testing. Allele origin: germline. Affected: yes.
Comment: Has not been previously published as pathogenic or benign to our knowledge; Not observed at significant frequency in large population cohorts (gnomAD); In-silico analysis is inconclusive as to whether the variant alters gene splicing; in the absence of RNA/functional studies, the actual effect of this sequence change is unknown; This variant is associated with the following publications: (PMID: 10469344)

Biomedical Innovation Departament, CIEMAT
Classification: Pathogenic for Dystrophic epidermolysis bullosa. Last evaluated: 2020-02-11. Review status: criteria provided, single submitter. Criteria: ACMG Guidelines, 2015. Collection method: research. Allele origin: de novo. Affected: yes. Observed: 1 variant allele.

Literature cited by the submitters: PubMed 10469344 (cited by Biomedical Innovation Departament, CIEMAT).

NM_000094.4(COL7A1):c.6861A>G (p.Gly2287=)

Gene: COL7A1 (collagen type VII alpha 1 chain; minus strand). Cytogenetic location: 3p21.31.
Variant type: single nucleotide variant.
Coding change: c.6861A>G on transcript NM_000094.4 (MANE Select); coding-DNA position 6861, A replaced by G.
Protein change: p.Gly2287=; no amino-acid change (glycine 2287 retained).
Molecular consequence: synonymous variant.
Genome position (GRCh38, 1-based): chr3:48,572,710, T>C on the plus strand (A>G on the coding strand, the complement: COL7A1 is on the minus strand). VCF-style: chr3-48572710-T-C. GRCh37 (hg19) VCF-style: chr3-48610143-T-C.
Other names: c.6861A>G (NM_000094.3).
Identifiers: ClinVar variation 1048018 (VCV001048018.2), dbSNP rs1315644130, ClinGen allele CA433535391.